The following is an entry in ClinVar:

ClinVar aggregate classification (germline): Likely benign. Review status: criteria provided, multiple submitters, no conflicts (2 of 4 stars). 2 submissions from 2 submitters: Likely benign (2). Last evaluated 2025-10-22.

Conditions:
Autosomal recessive ataxia, Beauce type. Also called: SYNE1-Related Autosomal Recessive Cerebellar Ataxia; Spinocerebellar ataxia, autosomal recessive 8; ATAXIA, RECESSIVE, OF BEAUCE; SYNE1 Deficiency. Identifiers: Orphanet 88644, MedGen C1853116, MONDO:0012549, OMIM 610743.
Emery-Dreifuss muscular dystrophy 4, autosomal dominant (EDMD4). Also called: EMERY-DREIFUSS MUSCULAR DYSTROPHY 4 WITH VARIABLE FEATURES. Identifiers: Orphanet 261, MedGen C2751807, MONDO:0013071, OMIM 612998.

Allele frequency attached by ClinVar (database versions not stated): ExAC 0.00001; gnomAD exomes 0.00001 and below 0.00001; TOPMed 0.00001.
gnomAD v4.1: 7 of 1,614,148 alleles (0.00043%); highest among the groups gnomAD compares: Admixed American, 0.0017%; no homozygotes.

Submissions (2):

Labcorp Genetics (formerly Invitae), Labcorp
Classification: Likely benign for Emery-Dreifuss muscular dystrophy 4, autosomal dominant; Autosomal recessive ataxia, Beauce type. Last evaluated: 2025-10-22. Review status: criteria provided, single submitter. Criteria: Invitae Variant Classification Sherloc (09022015). Collection method: clinical testing. Allele origin: germline.

Athena Diagnostics
Classification: Likely benign. Last evaluated: 2025-08-11. Review status: criteria provided, single submitter. Criteria: Athena Diagnostics Criteria. Collection method: clinical testing. Allele origin: unknown.
Comment: Computational tools yielded predictions that this variant is unlikely to have an effect on normal RNA splicing. This nucleotide position exhibits low evolutionary conservation.

NM_182961.4(SYNE1):c.18072C>T (p.Leu6024=)

Gene: SYNE1 (spectrin repeat containing nuclear envelope protein 1; minus strand). Cytogenetic location: 6q25.2.
Variant type: single nucleotide variant.
Coding change: c.18072C>T on transcript NM_182961.4 (MANE Select); coding-DNA position 18072, C replaced by T.
Protein change: p.Leu6024=; no amino-acid change (leucine 6024 retained).
Molecular consequence: synonymous variant.
Genome position (GRCh38, 1-based): chr6:152,284,113, G>A on the plus strand (C>T on the coding strand, the complement: SYNE1 is on the minus strand). VCF-style: chr6-152284113-G-A. GRCh37 (hg19) VCF-style: chr6-152605248-G-A.
Other names: c.17859C>T, p.Leu5953= (NM_033071.5); c.18072C>T (NM_182961.2).
Identifiers: ClinVar variation 538416 (VCV000538416.9), dbSNP rs749375364, ClinGen allele CA4055061.